The following is an entry in ClinVar:

NM_000153.4(GALC):c.270T>A (p.Asn90Lys)

Gene: GALC (galactosylceramidase; minus strand). Cytogenetic location: 14q31.3.
Variant type: single nucleotide variant.
Coding change: c.270T>A on transcript NM_000153.4 (MANE Select); coding-DNA position 270, T replaced by A.
Protein change: p.Asn90Lys; replaces asparagine 90 with lysine.
Molecular consequence: missense variant. On other transcripts: 5 prime UTR variant (4), non-coding transcript variant (1).
Genome position (GRCh38, 1-based): chr14:87,988,202, A>T on the plus strand (T>A on the coding strand, the complement: GALC is on the minus strand). VCF-style: chr14-87988202-A-T. GRCh37 (hg19) VCF-style: chr14-88454546-A-T.
Other names: c.201T>A, p.Asn67Lys (NM_001201401.2); c.192T>A, p.Asn64Lys (NM_001201402.2); c.102T>A, p.Asn34Lys (NM_001424071.1, NM_001424072.1, NM_001424073.1); c.-79T>A (NM_001424074.1); c.-167T>A (NM_001424075.1); c.-398T>A (NM_001424076.1, NM_001424077.1); short protein forms N90K, N67K, N34K, N64K.
Identifiers: ClinVar variation 2732989 (VCV002732989.3), dbSNP rs377554388, ClinGen allele CA264711932.

ClinVar aggregate classification (germline): Uncertain significance (1 of 4 stars; one submission).

Conditions:
Galactosylceramide beta-galactosidase deficiency. Also called: Leukodystrophy, Globoid Cell; Krabbe Disease; GALACTOCEREBROSIDASE DEFICIENCY; GALC DEFICIENCY; GLOBOID CELL LEUKOENCEPHALOPATHY. Identifiers: Orphanet 487, MedGen C0023521, MONDO:0009499, OMIM 245200.

Allele frequency attached by ClinVar (database versions not stated): gnomAD exomes below 0.00001; TOPMed below 0.00001; gnomAD 0.00001; ESP Exome Variant Server 0.00008.
gnomAD v4.1: 6 of 1,613,534 alleles (0.00037%); highest among the groups gnomAD compares: Non-Finnish European, 0.00051%; no homozygotes.

Submission:

Labcorp Genetics (formerly Invitae), Labcorp
Classification: Uncertain significance for Galactosylceramide beta-galactosidase deficiency. Last evaluated: 2023-05-01. Review status: criteria provided, single submitter. Criteria: Invitae Variant Classification Sherloc (09022015). Collection method: clinical testing. Allele origin: germline.
Comment: In summary, the available evidence is currently insufficient to determine the role of this variant in disease. Therefore, it has been classified as a Variant of Uncertain Significance. This sequence change replaces asparagine, which is neutral and polar, with lysine, which is basic and polar, at codon 90 of the GALC protein (p.Asn90Lys). This variant is not present in population databases (gnomAD no frequency). This variant has not been reported in the literature in individuals affected with GALC-related conditions. Advanced modeling of protein sequence and biophysical properties (such as structural, functional, and spatial information, amino acid conservation, physicochemical variation, residue mobility, and thermodynamic stability) has been performed at Invitae for this missense variant, however the output from this modeling did not meet the statistical confidence thresholds required to predict the impact of this variant on GALC protein function.